The following is an entry in ClinVar:

ClinVar aggregate classification (germline): Uncertain significance (1 of 4 stars; one submission).

Submission:

Labcorp Genetics (formerly Invitae), Labcorp
Classification: Uncertain significance. Last evaluated: 2025-10-02. Review status: criteria provided, single submitter. Criteria: Invitae Variant Classification Sherloc (09022015). Collection method: clinical testing. Allele origin: germline.
Comment: This sequence change replaces phenylalanine, which is neutral and non-polar, with leucine, which is neutral and non-polar, at codon 742 of the ATRN protein (p.Phe742Leu). This variant is present in population databases (rs750644268, gnomAD 0.007%). This variant has not been reported in the literature in individuals affected with ATRN-related conditions. An algorithm developed to predict the effect of missense changes on protein structure and function (PolyPhen-2) suggests that this variant is likely to be tolerated. In summary, the available evidence is currently insufficient to determine the role of this variant in disease. Therefore, it has been classified as a Variant of Uncertain Significance.

NM_139321.3(ATRN):c.2226T>A (p.Phe742Leu)

Gene: ATRN (attractin; plus strand). Cytogenetic location: 20p13.
Variant type: single nucleotide variant.
Coding change: c.2226T>A on transcript NM_139321.3 (MANE Select); coding-DNA position 2226, T replaced by A.
Protein change: p.Phe742Leu; replaces phenylalanine 742 with leucine.
Molecular consequence: missense variant.
Genome position (GRCh38, 1-based): chr20:3,576,870, T>A. VCF-style: chr20-3576870-T-A. GRCh37 (hg19) VCF-style: chr20-3557517-T-A.
Other names: c.1878T>A, p.Phe626Leu (NM_001207047.3); c.2226T>A, p.Phe742Leu (NM_001323332.2, NM_139322.4); short protein forms F742L, F626L.
Identifiers: ClinVar variation 4713380 (VCV004713380.1).